The following is an entry in ClinVar:

NM_004006.3(DMD):c.6025C>A (p.Gln2009Lys)

Gene: DMD (dystrophin; minus strand). Cytogenetic location: Xp21.1.
Variant type: single nucleotide variant.
Coding change: c.6025C>A on transcript NM_004006.3 (MANE Select); coding-DNA position 6025, C replaced by A.
Protein change: p.Gln2009Lys; replaces glutamine 2009 with lysine.
Molecular consequence: missense variant.
Genome position (GRCh38, 1-based): chrX:32,310,174, G>T on the plus strand (C>A on the coding strand, the complement: DMD is on the minus strand). VCF-style: chrX-32310174-G-T. GRCh37 (hg19) VCF-style: chrX-32328291-G-T.
Other names: c.6001C>A, p.Gln2001Lys (NM_000109.4); c.6013C>A, p.Gln2005Lys (NM_004009.3); c.5656C>A, p.Gln1886Lys (NM_004010.3); c.2002C>A, p.Gln668Lys (NM_004011.4); c.1993C>A, p.Gln665Lys (NM_004012.4); short protein forms Q1886K, Q668K, Q2009K, Q2001K, Q2005K, Q665K.
Identifiers: ClinVar variation 1506135 (VCV001506135.10), dbSNP rs1569556943, ClinGen allele CA412669791.

ClinVar aggregate classification (germline): Uncertain significance (1 of 4 stars; one submission).

Conditions:
Duchenne muscular dystrophy (DMD). Also called: Duchenne Muscular Dystrophy (DMD); MUSCULAR DYSTROPHY, PSEUDOHYPERTROPHIC PROGRESSIVE, DUCHENNE TYPE. Identifiers: Orphanet 98896, MedGen C0013264, MONDO:0010679, OMIM 310200.

Submission:

Labcorp Genetics (formerly Invitae), Labcorp
Classification: Uncertain significance for Duchenne muscular dystrophy. Last evaluated: 2022-05-09. Review status: criteria provided, single submitter. Criteria: Invitae Variant Classification Sherloc (09022015). Collection method: clinical testing. Allele origin: germline.
Comment: In summary, the available evidence is currently insufficient to determine the role of this variant in disease. Therefore, it has been classified as a Variant of Uncertain Significance. This sequence change replaces glutamine, which is neutral and polar, with lysine, which is basic and polar, at codon 2009 of the DMD protein (p.Gln2009Lys). This variant is not present in population databases (gnomAD no frequency). This variant has not been reported in the literature in individuals affected with DMD-related conditions. Algorithms developed to predict the effect of missense changes on protein structure and function are either unavailable or do not agree on the potential impact of this missense change (SIFT: "Deleterious"; PolyPhen-2: "Benign"; Align-GVGD: "Class C0").